The following is an entry in ClinVar:

NM_024548.4(CEP97):c.2420T>C (p.Val807Ala)

Gene: CEP97 (centrosomal protein 97; plus strand). Cytogenetic location: 3q12.3.
Variant type: single nucleotide variant.
Coding change: c.2420T>C on transcript NM_024548.4 (MANE Select); coding-DNA position 2420, T replaced by C.
Protein change: p.Val807Ala; replaces valine 807 with alanine.
Molecular consequence: missense variant.
Genome position (GRCh38, 1-based): chr3:101,765,373, T>C. VCF-style: chr3-101765373-T-C. GRCh37 (hg19) VCF-style: chr3-101484217-T-C.
Other names: c.2243T>C, p.Val748Ala (NM_001303401.2); c.2318T>C, p.Val773Ala (NM_001410784.1); c.2141T>C, p.Val714Ala (NM_001410785.1); c.2420T>C (NM_024548.2); short protein forms V748A, V773A, V714A, V807A.
Identifiers: ClinVar variation 2199927 (VCV002199927.6), dbSNP rs149506217, ClinGen allele CA2522321.

ClinVar aggregate classification (germline): Uncertain significance. Review status: criteria provided, multiple submitters, no conflicts (2 of 4 stars). 2 submissions from 2 submitters: Uncertain significance (2). Last evaluated 2026-01-03.

Allele frequency attached by ClinVar (database versions not stated): TOPMed 0.00021; gnomAD exomes 0.00037; ESP Exome Variant Server 0.00038; ExAC 0.00049; gnomAD 0.00056.
gnomAD v4.1: 622 of 1,614,200 alleles (0.039%); highest among the groups gnomAD compares: Non-Finnish European, 0.042%; 3 homozygotes.

Submissions (2):

Labcorp Genetics (formerly Invitae), Labcorp
Classification: Uncertain significance. Last evaluated: 2026-01-03. Review status: criteria provided, single submitter. Criteria: Invitae Variant Classification Sherloc (09022015). Collection method: clinical testing. Allele origin: germline.
Comment: This sequence change replaces valine, which is neutral and non-polar, with alanine, which is neutral and non-polar, at codon 807 of the CEP97 protein (p.Val807Ala). This variant is present in population databases (rs149506217, gnomAD 0.1%), and has an allele count higher than expected for a pathogenic variant. This variant has not been reported in the literature in individuals affected with CEP97-related conditions. ClinVar contains an entry for this variant (Variation ID: 2199927). Invitae Evidence Modeling of protein sequence and biophysical properties (such as structural, functional, and spatial information, amino acid conservation, physicochemical variation, residue mobility, and thermodynamic stability) indicates that this missense variant is not expected to disrupt CEP97 protein function with a negative predictive value of 80%. In summary, the available evidence is currently insufficient to determine the role of this variant in disease. Therefore, it has been classified as a Variant of Uncertain Significance.

Ambry Genetics
Classification: Uncertain significance. Last evaluated: 2024-06-07. Review status: criteria provided, single submitter. Criteria: Ambry Variant Classification Scheme 2023. Collection method: clinical testing. Allele origin: germline.